The following is an entry in ClinVar:

NM_138420.4(AHNAK2):c.3690G>C (p.Lys1230Asn)

Gene: AHNAK2 (AHNAK nucleoprotein 2; minus strand). Cytogenetic location: 14q32.33.
Variant type: single nucleotide variant.
Coding change: c.3690G>C on transcript NM_138420.4 (MANE Select); coding-DNA position 3690, G replaced by C.
Protein change: p.Lys1230Asn; replaces lysine 1230 with asparagine.
Molecular consequence: missense variant.
Genome position (GRCh38, 1-based): chr14:104,951,761, C>G on the plus strand (G>C on the coding strand, the complement: AHNAK2 is on the minus strand). VCF-style: chr14-104951761-C-G. GRCh37 (hg19) VCF-style: chr14-105418098-C-G.
Other names: c.3390G>C, p.Lys1130Asn (NM_001350929.2); short protein forms K1130N, K1230N.
Identifiers: ClinVar variation 5033505 (VCV005033505.1).
Genomic context (GRCh38, chr14:104,951,761, plus strand): 5'-CTGCACCTTGGGCAGGTGCCCTTTGAAGCCGGCTCCCTCAGGCACGTGGCCCTCCAGGAG[C>G]TTCACGTCCACCTGGCCAGCGTGGACCTCCAGGTCAGCGGAAGGGGGCTGAATGCTGAGG-3'
Protein context (NP_612429.2, residues 1220-1240): LEVHAGQVDV[Lys1230Asn]LLEGHVPEGA

ClinVar aggregate classification (germline): Uncertain significance (1 of 4 stars; one submission).

Submission:

Ambry Genetics
Classification: Uncertain significance. Last evaluated: 2026-07-08. Review status: criteria provided, single submitter. Criteria: Ambry Variant Classification Scheme 2023. Collection method: clinical testing. Allele origin: germline.
Comment: The c.3690G>C (p.K1230N) alteration is located in exon 7 (coding exon 7) of the AHNAK2 gene. This alteration results from a G to C substitution at nucleotide position 3690, causing the lysine (K) at amino acid position 1230 to be replaced by an asparagine (N). Based on data from gnomAD, the C allele has an overall frequency of <0.001% (0/191040) total alleles studied. The highest observed frequency was <0.001% (/) of alleles. Based on insufficient or conflicting evidence, the clinical significance of this alteration remains unclear.